The following is an entry in ClinVar:

ClinVar aggregate classification (germline): Uncertain significance. Review status: criteria provided, multiple submitters, no conflicts (2 of 4 stars). 2 submissions from 2 submitters: Uncertain significance (2). Last evaluated 2022-02-14.

Conditions:
Majeed syndrome (MJDS). Also called: LPIN2-Related Majeed Syndrome; CHRONIC RECURRENT MULTIFOCAL OSTEOMYELITIS 1, WITH CONGENITAL DYSERYTHROPOIETIC ANEMIA, WITH OR WITHOUT NEUTROPHILIC DERMATOSIS. Identifiers: Orphanet 77297, MedGen C1864997, MONDO:0012316, OMIM 609628.

Allele frequency attached by ClinVar (database versions not stated): ExAC 0.00001; gnomAD 0.00001 and 0.00002; gnomAD exomes 0.00001; TOPMed 0.00001; 1000 Genomes Project 30x 0.00016; 1000 Genomes Project 0.00020.
gnomAD v4.1: 10 of 1,614,042 alleles (0.00062%); highest among the groups gnomAD compares: African/African-American, 0.0013%; no homozygotes.

Submissions (2):

Labcorp Genetics (formerly Invitae), Labcorp
Classification: Uncertain significance for Majeed syndrome. Last evaluated: 2022-02-14. Review status: criteria provided, single submitter. Criteria: Invitae Variant Classification Sherloc (09022015). Collection method: clinical testing. Allele origin: germline.
Comment: This sequence change replaces alanine, which is neutral and non-polar, with valine, which is neutral and non-polar, at codon 372 of the LPIN2 protein (p.Ala372Val). This variant is present in population databases (rs201830346, gnomAD 0.007%). This variant has not been reported in the literature in individuals affected with LPIN2-related conditions. ClinVar contains an entry for this variant (Variation ID: 234782). Algorithms developed to predict the effect of missense changes on protein structure and function (SIFT, PolyPhen-2, Align-GVGD) all suggest that this variant is likely to be tolerated. Algorithms developed to predict the effect of sequence changes on RNA splicing suggest that this variant may create or strengthen a splice site. In summary, the available evidence is currently insufficient to determine the role of this variant in disease. Therefore, it has been classified as a Variant of Uncertain Significance.

GeneDx
Classification: Uncertain significance. Last evaluated: 2016-02-11. Review status: criteria provided, single submitter. Criteria: GeneDx Variant Classification (06012015). Collection method: clinical testing. Allele origin: germline. Affected: yes.
Comment: The A372V variant has not been published as a pathogenic variant, nor has it been reported as a benign variant to our knowledge. The variant was not observed at any significant frequency in approximately 6,500 individuals of European and African American ancestry in the NHLBI Exome Sequencing Project and the 1000 Genomes Project Consortium, indicating it is not a common benign variant in these populations. However, A372V is a conservative amino acid substitution, which is not likely to impact secondary protein structure as these residues share similar properties. This substitution occurs at a position that is not conserved, and in silico analysis predicts this variant likely does not alter the protein structure/function. Therefore, based on the currently available information, it is unclear whether this variant is a pathogenic variant or a rare benign variant.

NM_001375808.2(LPIN2):c.1115C>T (p.Ala372Val)

Gene: LPIN2 (lipin 2; minus strand). Cytogenetic location: 18p11.31.
Variant type: single nucleotide variant.
Coding change: c.1115C>T on transcript NM_001375808.2 (MANE Select); coding-DNA position 1115, C replaced by T.
Protein change: p.Ala372Val; replaces alanine 372 with valine.
Molecular consequence: missense variant.
Genome position (GRCh38, 1-based): chr18:2,937,745, G>A on the plus strand (C>T on the coding strand, the complement: LPIN2 is on the minus strand). VCF-style: chr18-2937745-G-A. GRCh37 (hg19) VCF-style: chr18-2937743-G-A.
Other names: c.1115C>T, p.Ala372Val (NM_001375809.1, NM_014646.2); short protein forms A372V.
Identifiers: ClinVar variation 234782 (VCV000234782.4), dbSNP rs201830346, ClinGen allele CA8873213.
Genomic context (GRCh38, chr18:2,937,745, plus strand): 5'-CGATTACCTTTCTTCTTTGACGGCGAGTCTACTTTAGCTGCCGGTTTGGATTCTGAGGGC[G>A]CCTCCGCTAAGGCTGCGTTGGGAAGGTGGTCAGCATCTAACATAGATGAAATCTGAGTAC-3'
Protein context (NP_001362737.1, residues 362-382): DHLPNAALAE[Ala372Val]PSESKPAAKV